The following is an entry in ClinVar:

ClinVar aggregate classification (germline): Benign. Review status: criteria provided, multiple submitters, no conflicts (2 of 4 stars). 3 submissions from 3 submitters: Benign (3). Last evaluated 2022-03-28.

Conditions:
Mast syndrome. Also called: SPASTIC PARAPLEGIA 21, AUTOSOMAL RECESSIVE. Identifiers: Orphanet 101001, MedGen C1855346, MONDO:0009568, OMIM 248900.

Allele frequency attached by ClinVar (database versions not stated): TOPMed 0.51411; gnomAD exomes 0.52174; gnomAD 0.52286 and 0.52314; 1000 Genomes Project 30x 0.52936; 1000 Genomes Project 0.53994.
gnomAD v4.1: 76,625 of 146,586 alleles (52%); highest among the groups gnomAD compares: East Asian, 85%; 20,102 homozygotes.

Submissions (3):

GeneDx
Classification: Benign. Last evaluated: 2022-03-28. Review status: criteria provided, single submitter. Criteria: GeneDx Variant Classification Process June 2021. Collection method: clinical testing. Allele origin: germline. Affected: yes.

Illumina Laboratory Services, Illumina
Classification: Benign for Mast syndrome. Last evaluated: 2017-04-27. Review status: criteria provided, single submitter. Criteria: ICSL Variant Classification Criteria 13 December 2019. Collection method: clinical testing. Allele origin: germline.
Comment: This variant was observed as part of a predisposition screen in an ostensibly healthy population. A literature search was performed for the gene, cDNA change, and amino acid change (where applicable). No publications were found based on this search. Allele frequency data from public databases was too high to be consistent with this variant causing disease. Therefore, this variant is classified as benign.

Breakthrough Genomics
Classification: Benign. Review status: criteria provided, single submitter. Criteria: ACMG Guidelines, 2015. Collection method: not provided. Allele origin: germline. Inheritance: Autosomal recessive inheritance. Affected: yes.

NM_016630.7(SPG21):c.-213C>T

Gene: SPG21 (SPG21 abhydrolase domain containing, maspardin; minus strand). Cytogenetic location: 15q22.31.
Variant type: single nucleotide variant.
Coding change: c.-213C>T on transcript NM_016630.7 (MANE Select); 213 bases upstream of the start codon, C replaced by T.
Molecular consequence: 5 prime UTR variant.
Genome position (GRCh38, 1-based): chr15:64,989,853, G>A on the plus strand (C>T on the coding strand, the complement: SPG21 is on the minus strand). VCF-style: chr15-64989853-G-A. GRCh37 (hg19) VCF-style: chr15-65282191-G-A.
Other names: c.-213C>T (NM_001127890.5).
Identifiers: ClinVar variation 316729 (VCV000316729.7), dbSNP rs11071822, ClinGen allele CA10636341.
Genomic context (GRCh38, chr15:64,989,853, plus strand): 5'-CACAGCAGGCTGCGCGGTGCGTGCGGGAGGCCGGCCTCTGAGGGGGCGGGGCGCGTGGCC[G>A]AGCGAGCTTGGGCCGCCGCGCTCCCCCCGCCCGACCGCCGCTCAGCTGGCGCGAGACTCC-3'